The following is an entry in ClinVar:

NM_016333.4(SRRM2):c.5965G>C (p.Val1989Leu)

Gene: SRRM2 (serine/arginine repetitive matrix 2; plus strand). Cytogenetic location: 16p13.3.
Variant type: single nucleotide variant.
Coding change: c.5965G>C on transcript NM_016333.4 (MANE Select); coding-DNA position 5965, G replaced by C.
Protein change: p.Val1989Leu; replaces valine 1989 with leucine.
Molecular consequence: missense variant.
Genome position (GRCh38, 1-based): chr16:2,766,493, G>C. VCF-style: chr16-2766493-G-C. GRCh37 (hg19) VCF-style: chr16-2816494-G-C.
Other names: short protein forms V1989L.
Identifiers: ClinVar variation 4282333 (VCV004282333.1).

ClinVar aggregate classification (germline): Uncertain significance (1 of 4 stars; one submission).

Submission:

GeneDx
Classification: Uncertain significance. Last evaluated: 2025-04-20. Review status: criteria provided, single submitter. Criteria: GeneDx Variant Classification Process June 2021. Collection method: clinical testing. Allele origin: germline. Affected: yes.
Comment: Not observed at significant frequency in large population cohorts (gnomAD); In silico analysis indicates that this missense variant does not alter protein structure/function; Has not been previously published as pathogenic or benign to our knowledge